The following is an entry in ClinVar:

ClinVar aggregate classification (germline): Uncertain significance (1 of 4 stars; one submission).

gnomAD v4.1: 1 of 1,614,112 alleles (0.000062%); highest among the groups gnomAD compares: Non-Finnish European, 0.000085%; no homozygotes.

Submission:

Labcorp Genetics (formerly Invitae), Labcorp
Classification: Uncertain significance. Last evaluated: 2025-08-12. Review status: criteria provided, single submitter. Criteria: Invitae Variant Classification Sherloc (09022015). Collection method: clinical testing. Allele origin: germline.
Comment: This sequence change replaces threonine, which is neutral and polar, with proline, which is neutral and non-polar, at codon 469 of the ASXL1 protein (p.Thr469Pro). This variant is not present in population databases (gnomAD no frequency). This variant has not been reported in the literature in individuals affected with ASXL1-related conditions. An algorithm developed to predict the effect of missense changes on protein structure and function (PolyPhen-2) suggests that this variant is likely to be tolerated. In summary, the available evidence is currently insufficient to determine the role of this variant in disease. Therefore, it has been classified as a Variant of Uncertain Significance.

NM_015338.6(ASXL1):c.1405A>C (p.Thr469Pro)

Gene: ASXL1 (ASXL transcriptional regulator 1; plus strand). Cytogenetic location: 20q11.21.
Variant type: single nucleotide variant.
Coding change: c.1405A>C on transcript NM_015338.6 (MANE Select); coding-DNA position 1405, A replaced by C.
Protein change: p.Thr469Pro; replaces threonine 469 with proline.
Molecular consequence: missense variant.
Genome position (GRCh38, 1-based): chr20:32,433,603, A>C. VCF-style: chr20-32433603-A-C. GRCh37 (hg19) VCF-style: chr20-31021406-A-C.
Other names: c.1222A>C, p.Thr408Pro (NM_001363734.1); short protein forms T408P, T469P.
Identifiers: ClinVar variation 4763938 (VCV004763938.1).